The following is an entry in ClinVar:

ClinVar aggregate classification (germline): Uncertain significance. Review status: reviewed by expert panel (3 of 4 stars). 6 submissions from 6 submitters: Uncertain significance (1). 5 of the submissions do not count toward it. Last evaluated 2024-12-03.

Conditions:
RASopathy. Also called: rasopathies; Noonan spectrum disorder. Identifiers: Orphanet 536391, MedGen C5555857, MONDO:0021060.
Cardiovascular phenotype. Identifiers: MedGen CN230736.
Noonan syndrome 9 (NS9). Identifiers: Orphanet 648, MedGen C4225282, MONDO:0014691, OMIM 616559.

Allele frequency attached by ClinVar (database versions not stated): ExAC 0.00007; gnomAD exomes 0.00007 and 0.00011; gnomAD 0.00008 and 0.00009; TOPMed 0.00009; ESP Exome Variant Server 0.00015.
gnomAD v4.1: 165 of 1,614,022 alleles (0.01%); highest among the groups gnomAD compares: Non-Finnish European, 0.013%; no homozygotes.

Submissions (6):

ClinGen RASopathy Variant Curation Expert Panel
Classification: Uncertain significance for RASopathy. Last evaluated: 2024-12-03. Review status: reviewed by expert panel. Criteria: ClinGen RASopathy ACMG Specifications SOS2 V2.3.0. Collection method: curation. Allele origin: germline. Inheritance: Autosomal dominant inheritance.
Comment: The c.3235A>G (NM_006939.4(SOS2):c.3235A>G (p.Thr1079Ala)) variant in SOS2 is a missense variant predicted to cause substitution of threonine by alanine at amino acid 1079. The highest MAF in gnomAD v2.1.1 is 0.01703 % in the European (non-Finnish) population (no population codes met). The computational predictor REVEL gives a score of 0.257, which is below the threshold of 0.3, evidence that does not predict a damaging effect on SOS2 function (BP4). In summary, this variant meets the criteria to be classified as uncertain significance for autosomal dominant RASopathy, based on the ACMG/AMP criteria applied, as specified by the ClinGen RASopathy VCEP: BP4 (Version 2.3; 12/3/2024).

Labcorp Genetics (formerly Invitae), Labcorp
Classification: Likely benign for Noonan syndrome 9. Last evaluated: 2026-01-19. Review status: criteria provided, single submitter. Criteria: Invitae Variant Classification Sherloc (09022015). Collection method: clinical testing. Allele origin: germline. Not counted in ClinVar's aggregate classification.

Mayo Clinic Laboratories, Mayo Clinic
Classification: Uncertain significance. Last evaluated: 2025-03-27. Review status: criteria provided, single submitter. Criteria: ACMG Guidelines, 2015. Collection method: clinical testing. Allele origin: germline. Observed: 1 variant allele. Not counted in ClinVar's aggregate classification.
Comment: BP4

Ambry Genetics
Classification: Uncertain significance for Cardiovascular phenotype. Last evaluated: 2025-02-10. Review status: criteria provided, single submitter. Criteria: Ambry Variant Classification Scheme 2023. Collection method: clinical testing. Allele origin: germline. Not counted in ClinVar's aggregate classification.
Comment: The p.T1079A variant (also known as c.3235A>G), located in coding exon 20 of the SOS2 gene, results from an A to G substitution at nucleotide position 3235. The threonine at codon 1079 is replaced by alanine, an amino acid with similar properties. This amino acid position is conserved. In addition, this alteration is predicted to be tolerated by in silico analysis. Since supporting evidence is limited at this time, the clinical significance of this alteration remains unclear.

GeneDx
Classification: Likely benign. Last evaluated: 2017-05-09. Review status: criteria provided, single submitter. Criteria: GeneDx Variant Classification (06012015). Collection method: clinical testing. Allele origin: germline. Affected: yes. Not counted in ClinVar's aggregate classification.
Comment: This variant is considered likely benign or benign based on one or more of the following criteria: it is a conservative change, it occurs at a poorly conserved position in the protein, it is predicted to be benign by multiple in silico algorithms, and/or has population frequency not consistent with disease.

Center for Pediatric Genomic Medicine, Children's Mercy Hospital and Clinics
Classification: Uncertain significance. Last evaluated: 2016-09-28. Review status: criteria provided, single submitter. Criteria: ACMG Guidelines, 2015. Collection method: clinical testing. Allele origin: germline. Not counted in ClinVar's aggregate classification.
ClinVar note: Converted during submission from Uncertain Significance to Uncertain significance.

NM_006939.4(SOS2):c.3235A>G (p.Thr1079Ala)

Gene: SOS2 (SOS Ras/Rho guanine nucleotide exchange factor 2; minus strand). Cytogenetic location: 14q21.3.
Variant type: single nucleotide variant.
Coding change: c.3235A>G on transcript NM_006939.4 (MANE Select); coding-DNA position 3235, A replaced by G.
Protein change: p.Thr1079Ala; replaces threonine 1079 with alanine.
Molecular consequence: missense variant.
Genome position (GRCh38, 1-based): chr14:50,130,603, T>C on the plus strand (A>G on the coding strand, the complement: SOS2 is on the minus strand). VCF-style: chr14-50130603-T-C. GRCh37 (hg19) VCF-style: chr14-50597321-T-C.
Other names: NM_006939.4(SOS2):c.3235A>G; p.Thr1079Ala; short protein forms T1079A.
Identifiers: ClinVar variation 376857 (VCV000376857.18), dbSNP rs61755576, ClinGen allele CA7176854.